The following is an entry in ClinVar:

NM_001277115.2(DNAH11):c.4455A>G (p.Leu1485=)

Gene: DNAH11 (dynein axonemal heavy chain 11; plus strand). Cytogenetic location: 7p15.3.
Variant type: single nucleotide variant.
Coding change: c.4455A>G on transcript NM_001277115.2 (MANE Select); coding-DNA position 4455, A replaced by G.
Protein change: p.Leu1485=; no amino-acid change (leucine 1485 retained).
Molecular consequence: synonymous variant.
Genome position (GRCh38, 1-based): chr7:21,620,033, A>G. VCF-style: chr7-21620033-A-G. GRCh37 (hg19) VCF-style: chr7-21659651-A-G.
Other names: p.Leu1485=.
Identifiers: ClinVar variation 238919 (VCV000238919.21), dbSNP rs79119693, ClinGen allele CA4180052.

ClinVar aggregate classification (germline): Benign. Review status: criteria provided, multiple submitters, no conflicts (2 of 4 stars). 4 submissions from 4 submitters: Benign (4). Last evaluated 2026-01-26.

Conditions:
Primary ciliary dyskinesia. Also called: Ciliary dyskinesia. Identifiers: Orphanet 244, MedGen C0008780, MONDO:0016575, HP:0012265.

Allele frequency attached by ClinVar (database versions not stated): gnomAD exomes 0.00080 and 0.00218; ExAC 0.00255; gnomAD 0.00837 and 0.00895; ESP Exome Variant Server 0.00850; TOPMed 0.00949; 1000 Genomes Project 0.01078; 1000 Genomes Project 30x 0.01171.
gnomAD v4.1: 2,480 of 1,608,380 alleles (0.15%); highest among the groups gnomAD compares: African/African-American, 2.9%; 33 homozygotes.

Submissions (4):

Labcorp Genetics (formerly Invitae), Labcorp
Classification: Benign for Primary ciliary dyskinesia. Last evaluated: 2026-01-26. Review status: criteria provided, single submitter. Criteria: Invitae Variant Classification Sherloc (09022015). Collection method: clinical testing. Allele origin: germline.

Mayo Clinic Laboratories, Mayo Clinic
Classification: Benign. Last evaluated: 2024-05-09. Review status: criteria provided, single submitter. Criteria: ACMG Guidelines, 2015. Collection method: clinical testing. Allele origin: germline. Observed: 2 variant alleles.
Comment: BS1, BS2, BP4, BP7

Ambry Genetics
Classification: Benign for Primary ciliary dyskinesia. Last evaluated: 2017-05-15. Review status: criteria provided, single submitter. Criteria: Ambry Variant Classification Scheme 2023. Collection method: clinical testing. Allele origin: germline.

PreventionGenetics, part of Exact Sciences
Classification: Benign. Review status: criteria provided, single submitter. Criteria: ACMG Guidelines, 2015. Collection method: clinical testing. Allele origin: germline.